The following is an entry in ClinVar:

NM_002834.5(PTPN11):c.616T>C (p.Leu206=)

Gene: PTPN11 (protein tyrosine phosphatase non-receptor type 11; plus strand). Cytogenetic location: 12q24.13.
Variant type: single nucleotide variant.
Coding change: c.616T>C on transcript NM_002834.5 (MANE Select); coding-DNA position 616, T replaced by C.
Protein change: p.Leu206=; no amino-acid change (leucine 206 retained).
Molecular consequence: synonymous variant.
Genome position (GRCh38, 1-based): chr12:112,454,654, T>C. VCF-style: chr12-112454654-T-C. GRCh37 (hg19) VCF-style: chr12-112892458-T-C.
Other names: c.616T>C, p.Leu206= (NM_001330437.2, NM_080601.3); c.613T>C, p.Leu205= (NM_001374625.1); c.616T>C (NM_002834.4).
Identifiers: ClinVar variation 699634 (VCV000699634.18), dbSNP rs78376169, ClinGen allele CA6798584.

ClinVar aggregate classification (germline): Likely benign. Review status: criteria provided, multiple submitters, no conflicts (2 of 4 stars). 8 submissions from 8 submitters: Likely benign (5). 3 of the submissions do not count toward it. Last evaluated 2026-01-27.

Conditions:
PTPN11-related disorder. Also called: PTPN11-Related Disorders.
Noonan syndrome 1 (NS1). Also called: FEMALE PSEUDO-TURNER SYNDROME; TURNER PHENOTYPE WITH NORMAL KARYOTYPE; PTPN11-Related Noonan Syndrome. Identifiers: Orphanet 648, MedGen C4551602, MONDO:0008104, OMIM 163950. Disease mechanism: gain of function.
Juvenile myelomonocytic leukemia (JMML). Also called: LEUKEMIA, JUVENILE MYELOMONOCYTIC, SOMATIC. Identifiers: Orphanet 86834, MedGen C0349639, MONDO:0011908, OMIM 607785, HP:0012209.
LEOPARD syndrome 1 (LPRD1). Also called: LENTIGINOSIS, CARDIOMYOPATHIC; MULTIPLE LENTIGINES SYNDROME; PTPN11-Related LEOPARD Syndrome. Identifiers: Orphanet 500, MedGen C4551484, MONDO:0100082, OMIM 151100.
Metachondromatosis (METCDS). Identifiers: Orphanet 2499, MedGen C0410530, MONDO:0007979, OMIM 156250.
Cardiovascular phenotype. Identifiers: MedGen CN230736.
RASopathy. Also called: rasopathies; Noonan spectrum disorder. Identifiers: Orphanet 536391, MedGen C5555857, MONDO:0021060.

Allele frequency attached by ClinVar (database versions not stated): gnomAD 0.00006; ExAC 0.00446; gnomAD exomes 0.00003; TOPMed 0.00003.
gnomAD v4.1: 57 of 1,612,882 alleles (0.0035%); highest among the groups gnomAD compares: African/African-American, 0.0067%; no homozygotes.

Submissions (8):

Labcorp Genetics (formerly Invitae), Labcorp
Classification: Likely benign for RASopathy. Last evaluated: 2026-01-27. Review status: criteria provided, single submitter. Criteria: Invitae Variant Classification Sherloc (09022015). Collection method: clinical testing. Allele origin: germline.

Fulgent Genetics
Classification: Likely benign for LEOPARD syndrome 1; Metachondromatosis; Noonan syndrome 1; Juvenile myelomonocytic leukemia. Last evaluated: 2021-12-22. Review status: criteria provided, single submitter. Criteria: ACMG Guidelines, 2015. Collection method: clinical testing. Allele origin: unknown.

Blueprint Genetics
Classification: Likely benign. Last evaluated: 2021-10-05. Review status: criteria provided, single submitter. Criteria: ACMG Guidelines, 2015. Collection method: clinical testing. Allele origin: germline.

GeneDx
Classification: Likely benign. Last evaluated: 2020-06-10. Review status: criteria provided, single submitter. Criteria: GeneDx Variant Classification Process June 2021. Collection method: clinical testing. Allele origin: germline. Affected: yes.

Ambry Genetics
Classification: Likely benign for Cardiovascular phenotype. Last evaluated: 2019-08-14. Review status: criteria provided, single submitter. Criteria: Ambry Variant Classification Scheme 2023. Collection method: clinical testing. Allele origin: germline.

PreventionGenetics, part of Exact Sciences
Classification: Likely benign for PTPN11-related condition. Last evaluated: 2019-06-07. Review status: no assertion criteria provided. Collection method: clinical testing. Allele origin: germline. Not counted in ClinVar's aggregate classification.
Comment: This variant is classified as likely benign based on ACMG/AMP sequence variant interpretation guidelines (Richards et al. 2015 PMID: 25741868, with internal and published modifications).

Genome Diagnostics Laboratory, University Medical Center Utrecht
Classification: Likely benign. Review status: no assertion criteria provided. Collection method: clinical testing. Allele origin: germline. Affected: yes. Study: VKGL Data-share Consensus. Not counted in ClinVar's aggregate classification.

Joint Genome Diagnostic Labs from Nijmegen and Maastricht, Radboudumc and MUMC+
Classification: Likely benign. Review status: no assertion criteria provided. Collection method: clinical testing. Allele origin: germline. Affected: yes. Study: VKGL Data-share Consensus. Not counted in ClinVar's aggregate classification.